The following is an entry in ClinVar:

ClinVar aggregate classification (germline): Uncertain significance (1 of 4 stars; one submission).

Conditions:
Giant axonal neuropathy 1 (GAN1). Also called: GAN-Related Neurodegeneration; GIANT AXONAL NEUROPATHY 1, AUTOSOMAL RECESSIVE. Identifiers: Orphanet 643, MedGen C1850386, MONDO:0009749, OMIM 256850.

Submission:

Labcorp Genetics (formerly Invitae), Labcorp
Classification: Uncertain significance for Giant axonal neuropathy 1. Last evaluated: 2022-08-20. Review status: criteria provided, single submitter. Criteria: Invitae Variant Classification Sherloc (09022015). Collection method: clinical testing. Allele origin: germline.
Comment: In summary, the available evidence is currently insufficient to determine the role of this variant in disease. Therefore, it has been classified as a Variant of Uncertain Significance. Algorithms developed to predict the effect of missense changes on protein structure and function (SIFT, PolyPhen-2, Align-GVGD) all suggest that this variant is likely to be tolerated. ClinVar contains an entry for this variant (Variation ID: 850801). This variant has not been reported in the literature in individuals affected with GAN-related conditions. This variant is not present in population databases (gnomAD no frequency). This sequence change replaces aspartic acid, which is acidic and polar, with glutamic acid, which is acidic and polar, at codon 66 of the GAN protein (p.Asp66Glu).

NM_022041.4(GAN):c.198T>G (p.Asp66Glu)

Gene: GAN (gigaxonin; plus strand). Cytogenetic location: 16q23.2.
Variant type: single nucleotide variant.
Coding change: c.198T>G on transcript NM_022041.4 (MANE Select); coding-DNA position 198, T replaced by G.
Protein change: p.Asp66Glu; replaces aspartic acid 66 with glutamic acid.
Molecular consequence: missense variant. On other transcripts: intron variant (1).
Genome position (GRCh38, 1-based): chr16:81,351,613, T>G. VCF-style: chr16-81351613-T-G. GRCh37 (hg19) VCF-style: chr16-81385218-T-G.
Other names: c.-357-2792T>G (NM_001377486.1); short protein forms D66E.
Identifiers: ClinVar variation 850801 (VCV000850801.9), dbSNP rs1910302068, ClinGen allele CA396865403.
Genomic context (GRCh38, chr16:81,351,613, plus strand): 5'-AGAAATTTTACATTTTTTTCCCTTTCTTAGGACAAAGTTAAACTATAATCCTCCAAAAGA[T>G]GATGGATCAACTTATAAGATTGAACTTGAAGGGATATCGGTAATGGTTATGAGAGAGATC-3'
Protein context (NP_071324.1, residues 56-76): RTKLNYNPPK[Asp66Glu]DGSTYKIELE